The following is an entry in ClinVar:

ClinVar aggregate classification (germline): Uncertain significance. Review status: criteria provided, multiple submitters, no conflicts (2 of 4 stars). 3 submissions from 3 submitters: Uncertain significance (2). 1 of the submissions does not count toward it. Last evaluated 2026-01-28.

Conditions:
Hereditary cancer-predisposing syndrome. Also called: Hereditary neoplastic syndrome; Hereditary Cancer Syndrome; Neoplastic Syndromes, Hereditary; Tumor predisposition. Identifiers: Orphanet 140162, MedGen C0027672, MeSH D009386, MONDO:0015356.
Bloom syndrome (BLM). Also called: Bloom-Torre-Machacek syndrome. Identifiers: Orphanet 125, MedGen C0005859, MONDO:0008876, OMIM 210900.

Allele frequency attached by ClinVar (database versions not stated): gnomAD 0.00001; TOPMed 0.00002.
gnomAD v4.1: 7 of 1,614,046 alleles (0.00043%); highest among the groups gnomAD compares: Non-Finnish European, 0.00051%; no homozygotes.

Submissions (3):

Labcorp Genetics (formerly Invitae), Labcorp
Classification: Uncertain significance for Bloom syndrome. Last evaluated: 2026-01-28. Review status: criteria provided, single submitter. Criteria: Invitae Variant Classification Sherloc (09022015). Collection method: clinical testing. Allele origin: germline.
Comment: This sequence change replaces glutamine, which is neutral and polar, with arginine, which is basic and polar, at codon 224 of the BLM protein (p.Gln224Arg). This variant is present in population databases (rs770111029, gnomAD 0.01%). This variant has not been reported in the literature in individuals affected with BLM-related conditions. ClinVar contains an entry for this variant (Variation ID: 236823). An algorithm developed to predict the effect of missense changes on protein structure and function (PolyPhen-2) suggests that this variant is likely to be tolerated. In summary, the available evidence is currently insufficient to determine the role of this variant in disease. Therefore, it has been classified as a Variant of Uncertain Significance.

Ambry Genetics
Classification: Uncertain significance for Hereditary cancer-predisposing syndrome. Last evaluated: 2025-09-28. Review status: criteria provided, single submitter. Criteria: Ambry Variant Classification Scheme 2023. Collection method: clinical testing. Allele origin: germline.
Comment: The p.Q224R variant (also known as c.671A>G), located in coding exon 2 of the BLM gene, results from an A to G substitution at nucleotide position 671. The glutamine at codon 224 is replaced by arginine, an amino acid with highly similar properties. This amino acid position is poorly conserved in available vertebrate species. In addition, this alteration is predicted to be tolerated by in silico analysis. Since supporting evidence is limited at this time, the clinical significance of this alteration remains unclear.

Natera, Inc.
Classification: Uncertain significance for Bloom syndrome. Last evaluated: 2021-08-16. Review status: no assertion criteria provided. Collection method: clinical testing. Allele origin: germline. Not counted in ClinVar's aggregate classification.

NM_000057.4(BLM):c.671A>G (p.Gln224Arg)

Gene: BLM (BLM RecQ like helicase; plus strand). Cytogenetic location: 15q26.1.
Variant type: single nucleotide variant.
Coding change: c.671A>G on transcript NM_000057.4 (MANE Select); coding-DNA position 671, A replaced by G.
Protein change: p.Gln224Arg; replaces glutamine 224 with arginine.
Molecular consequence: missense variant. On other transcripts: 5 prime UTR variant (1).
Genome position (GRCh38, 1-based): chr15:90,749,939, A>G. VCF-style: chr15-90749939-A-G. GRCh37 (hg19) VCF-style: chr15-91293169-A-G.
Other names: c.671A>G, p.Gln224Arg (NM_001287246.2, NM_001287247.2); c.-621A>G (NM_001287248.2); c.671A>G (NM_000057.2); short protein forms Q224R.
Identifiers: ClinVar variation 236823 (VCV000236823.15), dbSNP rs770111029, ClinGen allele CA10583271.